The following is an entry in ClinVar:

ClinVar aggregate classification (germline): Conflicting classifications of pathogenicity. Review status: criteria provided, conflicting classifications (1 of 4 stars). 6 submissions from 6 submitters: Pathogenic (1); Likely pathogenic (4); Uncertain significance (1). Last evaluated 2026-04-21.

Conditions:
GALNT3-related disorder. Also called: GALNT3-related condition.
Tumoral calcinosis, hyperphosphatemic, familial, 1. Also called: HYPEROSTOSIS WITH HYPERPHOSPHATEMIA; HYPEROSTOSIS-HYPERPHOSPHATEMIA SYNDROME; CORTICAL HYPEROSTOSIS WITH HYPERPHOSPHATEMIA; CALCINOSIS, TUMORAL, WITH HYPERPHOSPHATEMIA; LIPOCALCINOGRANULOMATOSIS; MORBUS TEUTSCHLAENDER. Identifiers: Orphanet 53715, MedGen C4692564, MONDO:0100252, OMIM 211900.

Allele frequency attached by ClinVar (database versions not stated): gnomAD exomes 0.00003 and 0.00005; ExAC 0.00004; ESP Exome Variant Server 0.00016; gnomAD 0.00026 and 0.00029; TOPMed 0.00032.
gnomAD v4.1: 84 of 1,603,466 alleles (0.0052%); highest among the groups gnomAD compares: African/African-American, 0.084%; no homozygotes.

Submissions (6):

GeneDx
Classification: Likely pathogenic. Last evaluated: 2026-04-21. Review status: criteria provided, single submitter. Criteria: GeneDx Variant Classification Process June 2021. Collection method: clinical testing. Allele origin: germline.
Comment: Nonsense variant predicted to result in protein truncation or nonsense mediated decay in a gene for which loss of function is a known mechanism of disease; This variant is associated with the following publications: (PMID: 38364881)

Fulgent Genetics
Classification: Likely pathogenic for Tumoral calcinosis, hyperphosphatemic, familial, 1. Last evaluated: 2024-05-09. Review status: criteria provided, single submitter. Criteria: ACMG Guidelines, 2015. Collection method: clinical testing. Allele origin: germline.

Labcorp Genetics (formerly Invitae), Labcorp
Classification: Pathogenic. Last evaluated: 2024-04-08. Review status: criteria provided, single submitter. Criteria: Invitae Variant Classification Sherloc (09022015). Collection method: clinical testing. Allele origin: germline.
Comment: This sequence change creates a premature translational stop signal (p.Arg6*) in the GALNT3 gene. It is expected to result in an absent or disrupted protein product. Loss-of-function variants in GALNT3 are known to be pathogenic (PMID: 15133511, 20358599). This variant is present in population databases (rs376963628, gnomAD 0.08%). This variant has not been reported in the literature in individuals affected with GALNT3-related conditions. ClinVar contains an entry for this variant (Variation ID: 1179199). For these reasons, this variant has been classified as Pathogenic.

Greenwood Genetic Center Diagnostic Laboratories, Greenwood Genetic Center
Classification: Likely pathogenic for Tumoral calcinosis, hyperphosphatemic, familial, 1. Last evaluated: 2023-04-27. Review status: criteria provided, single submitter. Criteria: ACMG Guidelines, 2015. Collection method: clinical testing. Allele origin: germline.
Comment: PVS1, PM2

PreventionGenetics, part of Exact Sciences
Classification: Uncertain significance for GALNT3-related condition. Last evaluated: 2022-09-06. Review status: criteria provided, single submitter. Criteria: ACMG Guidelines, 2015. Collection method: clinical testing. Allele origin: germline.
Comment: The GALNT3 c.16C>T variant is predicted to result in premature protein termination (p.Arg6*). To our knowledge, this variant has not been reported in the literature. This variant is reported in 0.084% of alleles in individuals of African descent in gnomAD. Although we suspect that this variant may be pathogenic, at this time, the clinical significance of this variant is uncertain due to the absence of conclusive functional and genetic evidence.

Neuberg Centre For Genomic Medicine, NCGM
Classification: Likely pathogenic for Tumoral calcinosis, hyperphosphatemic, familial, 1. Review status: criteria provided, single submitter. Criteria: ACMG Guidelines, 2015. Collection method: clinical testing. Allele origin: germline. Inheritance: Autosomal recessive inheritance. Affected: yes.

Literature cited by the submitters: PubMed 15133511 (cited by Labcorp Genetics (formerly Invitae), Labcorp); PubMed 20358599 (cited by Labcorp Genetics (formerly Invitae), Labcorp).

NM_004482.4(GALNT3):c.16C>T (p.Arg6Ter)

Gene: GALNT3 (polypeptide N-acetylgalactosaminyltransferase 3; minus strand). Cytogenetic location: 2q24.3.
Variant type: single nucleotide variant.
Coding change: c.16C>T on transcript NM_004482.4 (MANE Select); coding-DNA position 16, C replaced by T.
Protein change: p.Arg6Ter; replaces arginine 6 with a stop codon.
Molecular consequence: nonsense.
Genome position (GRCh38, 1-based): chr2:165,770,685, G>A on the plus strand (C>T on the coding strand, the complement: GALNT3 is on the minus strand). VCF-style: chr2-165770685-G-A. GRCh37 (hg19) VCF-style: chr2-166627195-G-A.
Other names: short protein forms R6*.
Identifiers: ClinVar variation 1179199 (VCV001179199.16), dbSNP rs376963628, ClinGen allele CA1941310.